The following is an entry in ClinVar:

NM_001267550.2(TTN):c.32683G>T (p.Val10895Phe)

Gene: TTN (titin; minus strand). Cytogenetic location: 2q31.2.
Variant type: single nucleotide variant.
Coding change: c.32683G>T on transcript NM_001267550.2 (MANE Select); coding-DNA position 32683, G replaced by T.
Protein change: p.Val10895Phe; replaces valine 10895 with phenylalanine.
Molecular consequence: missense variant. On other transcripts: intron variant (3).
Genome position (GRCh38, 1-based): chr2:178,684,369, C>A on the plus strand (G>T on the coding strand, the complement: TTN is on the minus strand). VCF-style: chr2-178684369-C-A. GRCh37 (hg19) VCF-style: chr2-179549096-C-A.
Other names: p.V10578F:GTT>TTT; c.31732G>T, p.Val10578Phe (NM_001256850.1); c.28951G>T, p.Val9651Phe (NM_133378.4); c.13283-42052G>T (NM_003319.4); c.13859-42052G>T (NM_133437.4); c.13658-42052G>T (NM_133432.3); short protein forms V10578F, V10895F, V9651F.
Identifiers: ClinVar variation 202573 (VCV000202573.2), dbSNP rs794729408, ClinGen allele CA309629.

ClinVar aggregate classification (germline): Uncertain significance (1 of 4 stars; one submission).

Submission:

GeneDx
Classification: Uncertain significance. Last evaluated: 2014-11-03. Review status: criteria provided, single submitter. Criteria: GeneDx Variant Classification (06012015). Collection method: clinical testing. Allele origin: germline. Affected: yes.
Comment: Missense variants in the TTN gene are considered 'unclassified' if they are not previously reported in the literature and do not have >1% frequency in the population to be considered a polymorphism. Research indicates that truncating mutations in the TTN gene are expected to account for approximately 25% of familial and 18% of sporadic idiopathic DCM; however, truncating variants in the TTN gene have been reported in approximately 3% of reported control alleles. There has been little investigation into non-truncating variants. (Herman D et al. Truncations of titin causing dilated cardiomyopathy. N Eng J Med 366:619-628, 2012) The variant is found in CARDIOMYOPATHY panel(s).